The following is an entry in ClinVar:

NM_000218.3(KCNQ1):c.1565A>C (p.Tyr522Ser)

Gene: KCNQ1 (potassium voltage-gated channel subfamily Q member 1; plus strand). Cytogenetic location: 11p15.5.
Variant type: single nucleotide variant.
Coding change: c.1565A>C on transcript NM_000218.3 (MANE Select); coding-DNA position 1565, A replaced by C.
Protein change: p.Tyr522Ser; replaces tyrosine 522 with serine.
Molecular consequence: missense variant.
Genome position (GRCh38, 1-based): chr11:2,768,894, A>C. VCF-style: chr11-2768894-A-C. GRCh37 (hg19) VCF-style: chr11-2790124-A-C.
Other names: p.Y522S:TAC>TCC; c.1565A>C (LRG_287t1); c.1469A>C, p.Tyr490Ser (NM_001406836.1); c.1295A>C, p.Tyr432Ser (NM_001406837.1); c.1025A>C, p.Tyr342Ser (NM_001406838.1); c.1184A>C, p.Tyr395Ser (NM_181798.2); short protein forms Y522S, Y395S, Y432S, Y342S, Y490S.
Identifiers: ClinVar variation 67039 (VCV000067039.8), dbSNP rs199472789, ClinGen allele CA005936.
Genomic context (GRCh38, chr11:2,768,894, plus strand): 5'-TCCACTGCAGGCTGCGGGAACACCATCGGGCCACCATTAAGGTCATTCGACGCATGCAGT[A>C]CTTTGTGGCCAAGAAGAAATTCCAGGTAAGCCCTGTGCTGAGCCTTCCTGCCCTCAGCCT-3'
Protein context (NP_000209.2, residues 512-532): ATIKVIRRMQ[Tyr522Ser]FVAKKKFQQA

ClinVar aggregate classification (germline): Pathogenic/Likely pathogenic. Review status: criteria provided, multiple submitters, no conflicts (2 of 4 stars). 4 submissions from 4 submitters: Pathogenic (1); Likely pathogenic (2). 1 of the submissions does not count toward it. Last evaluated 2017-09-19.

Conditions:
Cardiovascular phenotype. Identifiers: MedGen CN230736.
Familial long QT syndrome (RWS). Also called: Congenital long QT syndrome; Romano-Ward syndrome; VENTRICULAR FIBRILLATION WITH PROLONGED QT INTERVAL. Identifiers: Orphanet 768, MedGen C1141890, MONDO:0019171.

Submissions (4):

Ambry Genetics
Classification: Likely pathogenic for Cardiovascular phenotype. Last evaluated: 2017-09-19. Review status: criteria provided, single submitter. Criteria: Ambry Variant Classification Scheme 2023. Collection method: clinical testing. Allele origin: germline.
Comment: The p.Y522S variant (also known as c.1565A>C), located in coding exon 12 of the KCNQ1 gene, results from an A to C substitution at nucleotide position 1565. The tyrosine at codon 522 is replaced by serine, an amino acid with dissimilar properties. This alteration segregated with disease in a family with long QT syndrome (LQTS) and functional studies by the same group suggested loss of function (Steffensen AB et al. Sci Rep, 2015 Jun;5:10009). This alteration was also reported in a study of LQTS clinical genetic testing, this alteration was reported in one patient; however, clinical details were limited (Kapplinger JD et al. Heart Rhythm, 2009 Sep;6:1297-303). This amino acid position is highly conserved in available vertebrate species. In addition, this alteration is predicted to be deleterious by in silico analysis. Based on the majority of available evidence to date, this variant is likely to be pathogenic.

Stanford Center for Inherited Cardiovascular Disease, Stanford University
Classification: Likely pathogenic. Last evaluated: 2016-05-19. Review status: criteria provided, single submitter. Criteria: ACMG Guidelines, 2015. Collection method: provider interpretation. Allele origin: germline.

GeneDx
Classification: Pathogenic. Last evaluated: 2012-08-14. Review status: criteria provided, single submitter. Criteria: GeneDx Variant Classification (06012015). Collection method: clinical testing. Allele origin: germline. Affected: yes.
Comment: p.Tyr522Ser (TAC>TCC):c.1565 A>C in exon 12 of the KCNQ1 gene (NM_000218.2). The Tyr522Ser mutation in the KCNQ1 gene has been reported previously in association with LQTS, and this mutation was absent from 2,600 control alleles (Kapplinger J et al., 2009). In addition, the NHLBI ESP Exome Variant Server reports Tyr522Ser was not observed in approximately 6,000 samples from individuals of European and African American backgrounds, indicating it is not a common benign variant in these populations. Tyr522Ser results in a conservative substitution of one neutral, polar amino acid for another at a residue that is conserved across species. Mutations in nearby codons (Met520Arg, Val524Gly) have also been reported in association with LQTS, further supporting the functional importance of this region of the protein. In summary, Tyr522Ser in the KCNQ1 gene is interpreted as a disease-causing mutation. The variant is found in LQT panel(s).

Cardiovascular Biomedical Research Unit, Royal Brompton & Harefield NHS Foundation Trust
No classification provided. Condition: Familial long QT syndrome. Review status: no classification provided. Collection method: literature only. Allele origin: germline. Not counted in ClinVar's aggregate classification.
Comment: This variant has been reported as associated with Long QT syndrome in the following publications (PMID:19716085). This is a literature report, and does not necessarily reflect the clinical interpretation of the Imperial College / Royal Brompton Cardiovascular Genetics laboratory.

Literature cited by the submitters: PubMed 19716085 (cited by Ambry Genetics and Cardiovascular Biomedical Research Unit, Royal Brompton & Harefield NHS Foundation Trust); PubMed 26066609 (cited by Ambry Genetics); PubMed 22581653 (cited by Cardiovascular Biomedical Research Unit, Royal Brompton & Harefield NHS Foundation Trust).